The following is an entry in ClinVar:

NM_020180.4(CELF4):c.837C>T (p.Val279=)

Gene: CELF4 (CUGBP Elav-like family member 4; minus strand). Cytogenetic location: 18q12.2.
Variant type: single nucleotide variant.
Coding change: c.837C>T on transcript NM_020180.4 (MANE Select); coding-DNA position 837, C replaced by T.
Protein change: p.Val279=; no amino-acid change (valine 279 retained).
Molecular consequence: synonymous variant. On other transcripts: non-coding transcript variant (11).
Genome position (GRCh38, 1-based): chr18:37,273,128, G>A on the plus strand (C>T on the coding strand, the complement: CELF4 is on the minus strand). VCF-style: chr18-37273128-G-A. GRCh37 (hg19) VCF-style: chr18-34853091-G-A.
Other names: c.834C>T, p.Val278= (NM_001025087.2, NM_001330603.2, NM_001353696.2 and 12 more transcripts); c.831C>T, p.Val277= (NM_001025088.2, NM_001353702.2, NM_001353712.2 and 2 more transcripts); c.807C>T, p.Val269= (NM_001025089.2, NM_001353700.2, NM_001353703.2 and 6 more transcripts); c.804C>T, p.Val268= (NM_001353695.2, NM_001353697.2, NM_001353699.2 and 14 more transcripts); c.801C>T, p.Val267= (NM_001353705.2, NM_001353706.2, NM_001353711.2 and 5 more transcripts); c.837C>T, p.Val279= (NM_001353708.2, NM_001353724.2, NM_001353731.2 and 6 more transcripts); c.465C>T, p.Val155= (NM_001353756.2, NM_001353761.2); c.438C>T, p.Val146= (NM_001353757.2, NM_001353760.2); and 1 more.
Identifiers: ClinVar variation 3049299 (VCV003049299.2), dbSNP rs142389555, ClinGen allele CA8943570.
Genomic context (GRCh38, chr18:37,273,128, plus strand): 5'-CATCTGCTGCATCTGGGCGGCAGCGAAGGCAGCCATGGGGTTCAGGTAGCCGCCCTGCGC[G>A]ACTGATGCCATCAGGGCCGCTTGCTGCTGCATCAGCTGGGGCAGAGGGAGTGGAAAAAAT-3'
Protein context (NP_064565.1, residues 269-289): MQQQAALMAS[Val279=]AQGGYLNPMA

ClinVar aggregate classification (germline): Likely benign (0 of 4 stars; one submission).

Conditions:
CELF4-related disorder. Also called: CELF4-related condition.

Allele frequency attached by ClinVar (database versions not stated): ESP Exome Variant Server 0.00069.
gnomAD v4.1: 1,310 of 1,613,236 alleles (0.081%); highest among the groups gnomAD compares: Non-Finnish European, 0.1%; 3 homozygotes.

Submission:

PreventionGenetics, part of Exact Sciences
Classification: Likely benign for CELF4-related condition. Last evaluated: 2019-07-19. Review status: no assertion criteria provided. Collection method: clinical testing. Allele origin: germline.
Comment: This variant is classified as likely benign based on ACMG/AMP sequence variant interpretation guidelines (Richards et al. 2015 PMID: 25741868, with internal and published modifications).